The following is an entry in ClinVar:

ClinVar aggregate classification (germline): Uncertain significance (1 of 4 stars; one submission).

Submission:

Labcorp Genetics (formerly Invitae), Labcorp
Classification: Uncertain significance. Last evaluated: 2021-08-07. Review status: criteria provided, single submitter. Criteria: Invitae Variant Classification Sherloc (09022015). Collection method: clinical testing. Allele origin: germline.
Comment: In summary, the available evidence is currently insufficient to determine the role of this variant in disease. Therefore, it has been classified as a Variant of Uncertain Significance. Algorithms developed to predict the effect of missense changes on protein structure and function (SIFT, PolyPhen-2, Align-GVGD) all suggest that this variant is likely to be tolerated. This variant has not been reported in the literature in individuals affected with CREB3L3-related conditions. This variant is not present in population databases (ExAC no frequency). This sequence change replaces arginine with leucine at codon 103 of the CREB3L3 protein (p.Arg103Leu). The arginine residue is weakly conserved and there is a moderate physicochemical difference between arginine and leucine.

NM_032607.3(CREB3L3):c.308G>T (p.Arg103Leu)

Gene: CREB3L3 (cAMP responsive element binding protein 3 like 3; plus strand). Cytogenetic location: 19p13.3.
Variant type: single nucleotide variant.
Coding change: c.308G>T on transcript NM_032607.3 (MANE Select); coding-DNA position 308, G replaced by T.
Protein change: p.Arg103Leu; replaces arginine 103 with leucine.
Molecular consequence: missense variant.
Genome position (GRCh38, 1-based): chr19:4,157,146, G>T. VCF-style: chr19-4157146-G-T. GRCh37 (hg19) VCF-style: chr19-4157143-G-T.
Other names: c.305G>T, p.Arg102Leu (NM_001271995.2); c.308G>T, p.Arg103Leu (NM_001271996.2, NM_001271997.2); short protein forms R103L, R102L.
Identifiers: ClinVar variation 1433636 (VCV001433636.6), dbSNP rs755957009, ClinGen allele CA304461939.